The following is an entry in ClinVar:

ClinVar aggregate classification (germline): Uncertain significance. Review status: criteria provided, single submitter (1 of 4 stars). 2 submissions from 2 submitters: Uncertain significance (1). 1 of the submissions does not count toward it. Last evaluated 2022-09-20.

Conditions:
Duchenne muscular dystrophy (DMD). Also called: Duchenne Muscular Dystrophy (DMD); MUSCULAR DYSTROPHY, PSEUDOHYPERTROPHIC PROGRESSIVE, DUCHENNE TYPE. Identifiers: Orphanet 98896, MedGen C0013264, MONDO:0010679, OMIM 310200.
Cardiomyopathy (CMYO). Also called: Cardiomyopathies. Identifiers: Orphanet 167848, MedGen C0878544, MONDO:0004994, HP:0001638. Inheritance: Various modes of inheritance.
Dystrophin deficiency.
Becker muscular dystrophy (BMD). Also called: MUSCULAR DYSTROPHY, PSEUDOHYPERTROPHIC PROGRESSIVE, BECKER TYPE; Becker Muscular Dystrophy (BMD). Identifiers: Orphanet 98895, MedGen C0917713, MONDO:0010311, OMIM 300376.

Allele frequency attached by ClinVar (database versions not stated): gnomAD exomes below 0.00001.
gnomAD v4.1: 1 of 1,209,755 alleles (0.000083%); highest among the groups gnomAD compares: Non-Finnish European, 0.00011%; no homozygotes.

Submissions (2):

Labcorp Genetics (formerly Invitae), Labcorp
Classification: Uncertain significance for Duchenne muscular dystrophy. Last evaluated: 2022-09-20. Review status: criteria provided, single submitter. Criteria: Invitae Variant Classification Sherloc (09022015). Collection method: clinical testing. Allele origin: germline.
Comment: This sequence change replaces serine, which is neutral and polar, with glycine, which is neutral and non-polar, at codon 800 of the DMD protein (p.Ser800Gly). This variant is not present in population databases (gnomAD no frequency). This variant has not been reported in the literature in individuals affected with DMD-related conditions. ClinVar contains an entry for this variant (Variation ID: 934279). Advanced modeling of protein sequence and biophysical properties (such as structural, functional, and spatial information, amino acid conservation, physicochemical variation, residue mobility, and thermodynamic stability) performed at Invitae indicates that this missense variant is not expected to disrupt DMD protein function. In summary, the available evidence is currently insufficient to determine the role of this variant in disease. Therefore, it has been classified as a Variant of Uncertain Significance.

Natera, Inc.
Classification: Uncertain significance for Becker muscular dystrophy; Cardiomyopathy; Duchenne muscular dystrophy; Dystrophin deficiency. Last evaluated: 2020-05-11. Review status: no assertion criteria provided. Collection method: clinical testing. Allele origin: germline. Not counted in ClinVar's aggregate classification.

NM_004006.3(DMD):c.2398A>G (p.Ser800Gly)

Gene: DMD (dystrophin; minus strand). Cytogenetic location: Xp21.1.
Variant type: single nucleotide variant.
Coding change: c.2398A>G on transcript NM_004006.3 (MANE Select); coding-DNA position 2398, A replaced by G.
Protein change: p.Ser800Gly; replaces serine 800 with glycine.
Molecular consequence: missense variant.
Genome position (GRCh38, 1-based): chrX:32,491,501, T>C on the plus strand (A>G on the coding strand, the complement: DMD is on the minus strand). VCF-style: chrX-32491501-T-C. GRCh37 (hg19) VCF-style: chrX-32509618-T-C.
Other names: c.2374A>G, p.Ser792Gly (NM_000109.4); c.2386A>G, p.Ser796Gly (NM_004009.3); c.2029A>G, p.Ser677Gly (NM_004010.3); short protein forms S800G, S677G, S792G, S796G.
Identifiers: ClinVar variation 934279 (VCV000934279.8), dbSNP rs2042995122, ClinGen allele CA412672955.